The following is an entry in ClinVar:

ClinVar aggregate classification (germline): Likely benign (1 of 4 stars; one submission).

Conditions:
GSN-related disorder. Also called: GSN-related condition.

gnomAD v4.1: 5 of 1,547,454 alleles (0.00032%); highest among the groups gnomAD compares: Admixed American, 0.0039%; no homozygotes.

Submission:

PreventionGenetics, part of Exact Sciences
Classification: Likely benign for GSN-related condition. Last evaluated: 2026-09-09. Review status: criteria provided, single submitter. Criteria: ACMG Guidelines, 2015. Collection method: clinical testing. Allele origin: germline.
Comment: This variant is classified as likely benign based on ACMG/AMP sequence variant interpretation guidelines (Richards et al. 2015 PMID: 25741868, with internal and published modifications).

NM_198252.3(GSN):c.1371C>T (p.Ile457=)

Gene: GSN (gelsolin; plus strand). Cytogenetic location: 9q33.2.
Variant type: single nucleotide variant.
Coding change: c.1371C>T on transcript NM_198252.3 (MANE Select); coding-DNA position 1371, C replaced by T.
Protein change: p.Ile457=; no amino-acid change (isoleucine 457 retained).
Molecular consequence: synonymous variant.
Genome position (GRCh38, 1-based): chr9:121,324,599, C>T. VCF-style: chr9-121324599-C-T. GRCh37 (hg19) VCF-style: chr9-124086877-C-T.
Other names: c.1524C>T, p.Ile508= (NM_000177.5); c.1371C>T, p.Ile457= (NM_001127662.2, NM_001127664.2, NM_001127665.2 and 10 more transcripts); c.1479C>T, p.Ile493= (NM_001127663.2); c.1404C>T, p.Ile468= (NM_001127666.2, NM_001127667.2, NM_001353063.2 and 13 more transcripts); c.1422C>T, p.Ile474= (NM_001258029.2); c.1395C>T, p.Ile465= (NM_001258030.2); c.1443C>T, p.Ile481= (NM_001353076.2); c.717C>T, p.Ile239= (NM_001353078.2).
Identifiers: ClinVar variation 4985493 (VCV004985493.1).
Genomic context (GRCh38, chr9:121,324,599, plus strand): 5'-CACTTCCCCTTCCAGGCAGGGTGCCCAGTCTACCCAGGATGAGGTCGCTGCATCTGCCAT[C>T]CTGACTGCTCAGCTGGATGAGGAGCTGGGAGGTACCCCTGTCCAGGTGAGCCCAGCCCAC-3'
Protein context (NP_937895.1, residues 447-467): STQDEVAASA[Ile457=]LTAQLDEELG